The following is an entry in ClinVar:

ClinVar aggregate classification (germline): Uncertain significance (1 of 4 stars; one submission).

Submission:

Labcorp Genetics (formerly Invitae), Labcorp
Classification: Uncertain significance. Last evaluated: 2022-06-12. Review status: criteria provided, single submitter. Criteria: Invitae Variant Classification Sherloc (09022015). Collection method: clinical testing. Allele origin: germline.
Comment: In summary, the available evidence is currently insufficient to determine the role of this variant in disease. Therefore, it has been classified as a Variant of Uncertain Significance. Experimental studies and prediction algorithms are not available or were not evaluated, and the functional significance of this variant is currently unknown. This variant has not been reported in the literature in individuals affected with FOXI3-related conditions. This variant is not present in population databases (gnomAD no frequency). This sequence change replaces aspartic acid, which is acidic and polar, with glutamic acid, which is acidic and polar, at codon 177 of the FOXI3 protein (p.Asp177Glu).

NM_001135649.3(FOXI3):c.531T>A (p.Asp177Glu)

Gene: FOXI3 (forkhead box I3; minus strand). Cytogenetic location: 2p11.2.
Variant type: single nucleotide variant.
Coding change: c.531T>A on transcript NM_001135649.3 (MANE Select); coding-DNA position 531, T replaced by A.
Protein change: p.Asp177Glu; replaces aspartic acid 177 with glutamic acid.
Molecular consequence: missense variant.
Genome position (GRCh38, 1-based): chr2:88,452,005, A>T on the plus strand (T>A on the coding strand, the complement: FOXI3 is on the minus strand). VCF-style: chr2-88452005-A-T. GRCh37 (hg19) VCF-style: chr2-88751524-A-T.
Other names: short protein forms D177E.
Identifiers: ClinVar variation 2005272 (VCV002005272.4), dbSNP rs2528916369, ClinGen allele CA347766144.